The following is an entry in ClinVar:

NM_000455.5(STK11):c.598-18T>C

Gene: STK11 (serine/threonine kinase 11; plus strand). Cytogenetic location: 19p13.3.
Variant type: single nucleotide variant.
Coding change: c.598-18T>C on transcript NM_000455.5 (MANE Select); 18 bases into the intron before coding-DNA position 598, T replaced by C.
Molecular consequence: intron variant.
Genome position (GRCh38, 1-based): chr19:1,220,563, T>C. VCF-style: chr19-1220563-T-C. GRCh37 (hg19) VCF-style: chr19-1220562-T-C.
Other names: c.598-18T>C (NM_001407255.1).
Identifiers: ClinVar variation 3903861 (VCV003903861.1).
Genomic context (GRCh38, chr19:1,220,563, plus strand): 5'-GAGGTAGGCACGTGCTAGGGGGGGCCCTGGGGCGCCCCCTCCCGGGCACTCCCTGAGGGC[T>C]GCACGGCACCGCCACAGGCACTGCACCCGTTCGCGGCGGACGACACCTGCCGGACCAGCC-3'

ClinVar aggregate classification (germline): Likely benign (1 of 4 stars; one submission).

Conditions:
Peutz-Jeghers syndrome (PJS). Also called: POLYPOSIS, HAMARTOMATOUS INTESTINAL; POLYPS-AND-SPOTS SYNDROME; Peutz-Jeghers polyposis; Periorificial lentiginosis syndrome. Identifiers: Orphanet 2869, MedGen C0031269, MeSH D010580, MONDO:0008280, OMIM 175200.

gnomAD v4.1: 1 of 1,574,764 alleles (0.000064%); highest among the groups gnomAD compares: African/African-American, 0.0013%; no homozygotes.

Submission:

Myriad Genetics, Inc.
Classification: Likely benign for Peutz-Jeghers syndrome. Last evaluated: 2025-03-26. Review status: criteria provided, single submitter. Criteria: Myriad Autosomal Dominant, Autosomal Recessive and X-Linked Classification Criteria (2023). Collection method: clinical testing. Allele origin: unknown.
Comment: This variant is considered likely benign. This variant is intronic and is not expected to impact mRNA splicing.